The following is an entry in ClinVar:

NM_020693.4(DSCAML1):c.6103G>A (p.Val2035Ile)

Gene: DSCAML1 (DS cell adhesion molecule like 1; minus strand). Cytogenetic location: 11q23.3.
Variant type: single nucleotide variant.
Coding change: c.6103G>A on transcript NM_020693.4 (MANE Select); coding-DNA position 6103, G replaced by A.
Protein change: p.Val2035Ile; replaces valine 2035 with isoleucine.
Molecular consequence: missense variant.
Genome position (GRCh38, 1-based): chr11:117,428,387, C>T on the plus strand (G>A on the coding strand, the complement: DSCAML1 is on the minus strand). VCF-style: chr11-117428387-C-T. GRCh37 (hg19) VCF-style: chr11-117299103-C-T.
Other names: short protein forms V2035I.
Identifiers: ClinVar variation 4692131 (VCV004692131.1).

ClinVar aggregate classification (germline): Uncertain significance (1 of 4 stars; one submission).

gnomAD v4.1: 12 of 1,589,244 alleles (0.00076%); highest among the groups gnomAD compares: African/African-American, 0.0096%; no homozygotes.

Submission:

Labcorp Genetics (formerly Invitae), Labcorp
Classification: Uncertain significance. Last evaluated: 2025-09-02. Review status: criteria provided, single submitter. Criteria: Invitae Variant Classification Sherloc (09022015). Collection method: clinical testing. Allele origin: germline.
Comment: This sequence change replaces valine, which is neutral and non-polar, with isoleucine, which is neutral and non-polar, at codon 2095 of the DSCAML1 protein (p.Val2095Ile). The frequency data for this variant in the population databases is considered unreliable, as metrics indicate poor data quality at this position in the gnomAD database. This variant has not been reported in the literature in individuals affected with DSCAML1-related conditions. An algorithm developed to predict the effect of missense changes on protein structure and function (PolyPhen-2) suggests that this variant is likely to be tolerated. In summary, the available evidence is currently insufficient to determine the role of this variant in disease. Therefore, it has been classified as a Variant of Uncertain Significance.